The following is an entry in ClinVar:

ClinVar aggregate classification (germline): Conflicting classifications of pathogenicity. Review status: criteria provided, conflicting classifications (1 of 4 stars). 6 submissions from 4 submitters: Uncertain significance (3); Benign (2); Likely benign (1). Last evaluated 2026-09-01.

Conditions:
Hypertrophic cardiomyopathy 2. Also called: TNNT2-Related Familial Hypertrophic Cardiomyopathy. Identifiers: MedGen C1861864, MONDO:0007266, OMIM 115195.
Dilated cardiomyopathy 1D. Identifiers: Orphanet 154, Orphanet 54260, MedGen C1832243, MONDO:0011095, OMIM 601494.
Cardiomyopathy, familial restrictive, 3. Identifiers: Orphanet 75249, MedGen C2676271, MONDO:0012900, OMIM 612422.

Allele frequency attached by ClinVar (database versions not stated): gnomAD 0.00031 and 0.00052; TOPMed 0.00035; gnomAD exomes 0.00128; 1000 Genomes Project 30x 0.00141; 1000 Genomes Project 0.00160; ExAC 0.00172; ESP Exome Variant Server 0.00023.
gnomAD v4.1: 1,217 of 1,598,354 alleles (0.076%); highest among the groups gnomAD compares: South Asian, 0.72%; 13 homozygotes.

Submissions (6):

CeGaT Center for Human Genetics Tuebingen
Classification: Likely benign. Last evaluated: 2026-09-01. Review status: criteria provided, single submitter. Criteria: CeGaT Center For Human Genetics Tuebingen Variant Classification Criteria Version 2. Collection method: clinical testing. Allele origin: germline. Affected: yes. Observed: 7 variant alleles.
Comment: TNNT2: BP4, BP7, BS2

Molecular Diagnostic Laboratory for Inherited Cardiovascular Disease, Montreal Heart Institute
Classification: Benign. Last evaluated: 2025-04-09. Review status: criteria provided, single submitter. Criteria: ACMG Guidelines, 2015. Collection method: clinical testing. Allele origin: germline. Affected: no.

Illumina Laboratory Services, Illumina
Classification: Uncertain significance for Dilated cardiomyopathy 1D. Last evaluated: 2018-06-12. Review status: criteria provided, single submitter. Criteria: ICSL Variant Classification Criteria 13 December 2019. Collection method: clinical testing. Allele origin: germline.

Illumina Laboratory Services, Illumina
Classification: Uncertain significance for Hypertrophic cardiomyopathy 2. Last evaluated: 2018-06-12. Review status: criteria provided, single submitter. Criteria: ICSL Variant Classification Criteria 13 December 2019. Collection method: clinical testing. Allele origin: germline.

Illumina Laboratory Services, Illumina
Classification: Uncertain significance for Cardiomyopathy, familial restrictive, 3. Last evaluated: 2018-06-12. Review status: criteria provided, single submitter. Criteria: ICSL Variant Classification Criteria 13 December 2019. Collection method: clinical testing. Allele origin: germline.

GeneDx
Classification: Benign. Last evaluated: 2015-03-03. Review status: criteria provided, single submitter. Criteria: GeneDx Variant Classification Process June 2021. Collection method: clinical testing. Allele origin: germline. Affected: yes.

NM_001276345.2(TNNT2):c.*37C>T

Gene: TNNT2 (troponin T2, cardiac type; minus strand). Cytogenetic location: 1q32.1.
Variant type: single nucleotide variant.
Coding change: c.*37C>T on transcript NM_001276345.2 (MANE Select); 37 bases downstream of the stop codon, C replaced by T.
Molecular consequence: 3 prime UTR variant.
Genome position (GRCh38, 1-based): chr1:201,359,173, G>A on the plus strand (C>T on the coding strand, the complement: TNNT2 is on the minus strand). VCF-style: chr1-201359173-G-A. GRCh37 (hg19) VCF-style: chr1-201328301-G-A.
Other names: c.*37C>T (NM_000364.4, NM_001001430.3, NM_001001431.3 and 3 more transcripts).
Identifiers: ClinVar variation 876211 (VCV000876211.36), dbSNP rs149240770, ClinGen allele CA027728.